The following is an entry in ClinVar:

NM_002474.3(MYH11):c.5597A>G (p.Glu1866Gly)

Genes: MYH11 (myosin heavy chain 11; minus strand), NDE1 (nudE neurodevelopment protein 1; plus strand). Cytogenetic location: 16p13.11.
Variant type: single nucleotide variant.
Coding change: c.5597A>G on transcript NM_002474.3 (MANE Select); coding-DNA position 5597, A replaced by G.
Protein change: p.Glu1866Gly; replaces glutamic acid 1866 with glycine.
Molecular consequence: missense variant. On other transcripts: intron variant (2).
Genome position (GRCh38, 1-based): chr16:15,715,180, T>C on the plus strand (A>G on the coding strand, the complement: MYH11 is on the minus strand). VCF-style: chr16-15715180-T-C. GRCh37 (hg19) VCF-style: chr16-15809037-T-C.
Other names: c.5618A>G, p.Glu1873Gly (NM_001040113.2, NM_001040114.2); c.5597A>G, p.Glu1866Gly (NM_022844.3); c.948-9011T>C (NM_001143979.2, NM_017668.3); short protein forms E1866G, E1873G.
Identifiers: ClinVar variation 1748515 (VCV001748515.2), dbSNP rs2510049109, ClinGen allele CA394847255.

ClinVar aggregate classification (germline): Uncertain significance (1 of 4 stars; one submission).

Conditions:
Familial thoracic aortic aneurysm and aortic dissection (TAAD). Also called: Thoracic aortic aneurysms and dissections. Identifiers: Orphanet 91387, MedGen C4707243, MONDO:0019625.

Allele frequency attached by ClinVar (database versions not stated): gnomAD exomes below 0.00001.
gnomAD v4.1: 5 of 1,613,858 alleles (0.00031%); highest among the groups gnomAD compares: Non-Finnish European, 0.00042%; no homozygotes.

Submission:

Ambry Genetics
Classification: Uncertain significance for Familial thoracic aortic aneurysm and aortic dissection. Last evaluated: 2022-03-21. Review status: criteria provided, single submitter. Criteria: Ambry Variant Classification Scheme 2023. Collection method: clinical testing. Allele origin: germline.
Comment: The p.E1866G variant (also known as c.5597A>G), located in coding exon 38 of the MYH11 gene, results from an A to G substitution at nucleotide position 5597. The glutamic acid at codon 1866 is replaced by glycine, an amino acid with similar properties. This amino acid position is conserved. In addition, the in silico prediction for this alteration is inconclusive. Since supporting evidence is limited at this time, the clinical significance of this alteration remains unclear.